The following is an entry in ClinVar:

NM_000426.4(LAMA2):c.4048C>T (p.Arg1350Ter)

Gene: LAMA2 (laminin subunit alpha 2; plus strand). Cytogenetic location: 6q22.33.
Variant type: single nucleotide variant.
Coding change: c.4048C>T on transcript NM_000426.4 (MANE Select); coding-DNA position 4048, C replaced by T.
Protein change: p.Arg1350Ter; replaces arginine 1350 with a stop codon.
Molecular consequence: nonsense.
Genome position (GRCh38, 1-based): chr6:129,316,161, C>T. VCF-style: chr6-129316161-C-T. GRCh37 (hg19) VCF-style: chr6-129637306-C-T.
Other names: p.Arg1350*; c.4048C>T, p.Arg1350Ter (NM_001079823.2); short protein forms R1350*.
Identifiers: ClinVar variation 284984 (VCV000284984.62), dbSNP rs756854513, ClinGen allele CA3993416.

ClinVar aggregate classification (germline): Pathogenic. Review status: criteria provided, multiple submitters, no conflicts (2 of 4 stars). 13 submissions from 13 submitters: Pathogenic (12). 1 of the submissions does not count toward it. Last evaluated 2026-05-01.

Conditions:
Muscular dystrophy, limb-girdle, autosomal recessive 23. Identifiers: Orphanet 565837, MedGen C4748327, MONDO:0029136, OMIM 618138.
Merosin deficient congenital muscular dystrophy (MDC1A). Also called: Congenital Muscular Dystrophy Type 1A (MDC1A); Congenital merosin-deficient muscular dystrophy 1A. Identifiers: Orphanet 258, MedGen C1263858, MONDO:0011925, OMIM 607855.
LAMA2-related muscular dystrophy (LAMA2-RD). Also called: Laminin alpha 2-related dystrophy. Identifiers: MedGen C5679788, MONDO:0100228.

Allele frequency attached by ClinVar (database versions not stated): ExAC 0.00002; TOPMed 0.00002; gnomAD 0.00010.
gnomAD v4.1: 12 of 1,603,676 alleles (0.00075%); highest among the groups gnomAD compares: East Asian, 0.0022%; no homozygotes.

Submissions (13):

Institute of Medical Genetics and Genomics, Sir Ganga Ram Hospital
Classification: Pathogenic for Merosin deficient congenital muscular dystrophy. Last evaluated: 2026-05-01. Review status: criteria provided, single submitter. Criteria: ACMG Guidelines, 2015. Collection method: clinical testing. Allele origin: germline. Inheritance: Autosomal recessive inheritance. Affected: yes. Observed: 1 variant allele, 1 homozygote.
Comment: A homozygous 1 base single nucleotide variant (SNV) has been identified in LAMA2 gene. This change is present in coding exon 27 of this gene resulting a nonsense event [PVS1]. This nonsense variant is present in the gnomAD (aggregated) database with an allele frequency of 0.0018% [05 Heterozygotes, 00 Homozygotes] [PM2]. This variant is submitted in clinvar database [Variation ID: VCV000284984.59] with a pathogenic interpretation by multiple submitters [PP5]. The identified variant have been reported in a patient affected with congenital muscular dystrophy PMC3543442. Based on the available evidences, and phenotypic overlap with the clinical symptoms of the proband, the variant has been classified as “ Pathogenic”.

Labcorp Genetics (formerly Invitae), Labcorp
Classification: Pathogenic for LAMA2-related muscular dystrophy. Last evaluated: 2025-11-25. Review status: criteria provided, single submitter. Criteria: Invitae Variant Classification Sherloc (09022015). Collection method: clinical testing. Allele origin: germline.
Comment: This sequence change creates a premature translational stop signal (p.Arg1350*) in the LAMA2 gene. It is expected to result in an absent or disrupted protein product. Loss-of-function variants in LAMA2 are known to be pathogenic (PMID: 18700894, 32904964). This variant is present in population databases (rs756854513, gnomAD 0.004%). This premature translational stop signal has been observed in individual(s) with congenital muscular dystrophy (PMID: 20207543, 24611677, 30301903). In at least one individual the data is consistent with being in trans (on the opposite chromosome) from a pathogenic variant. ClinVar contains an entry for this variant (Variation ID: 284984). For these reasons, this variant has been classified as Pathogenic.

3billion
Classification: Pathogenic for Merosin deficient congenital muscular dystrophy. Last evaluated: 2025-02-10. Review status: criteria provided, single submitter. Criteria: ACMG Guidelines, 2015. Collection method: clinical testing. Allele origin: germline. Affected: yes.
Comment: The variant is observed at an extremely low frequency in the gnomAD v4.1.0 dataset (total allele frequency: <0.001%). Predicted Consequence/Location: Stop-gained (nonsense): predicted to result in a loss or disruption of normal protein function through nonsense-mediated decay (NMD) or protein truncation. Multiple pathogenic variants are reported downstream of the variant. The variant has been reported at least twice as pathogenic with clinical assertions and evidence for the classification (ClinVar ID: VCV000284984 /PMID: 20207543). Therefore, this variant is classified as Pathogenic according to the recommendation of ACMG/AMP guideline.

Fulgent Genetics
Classification: Pathogenic for Merosin deficient congenital muscular dystrophy; Muscular dystrophy, limb-girdle, autosomal recessive 23. Last evaluated: 2024-04-29. Review status: criteria provided, single submitter. Criteria: ACMG Guidelines, 2015. Collection method: clinical testing. Allele origin: germline.

Baylor Genetics
Classification: Pathogenic for Merosin deficient congenital muscular dystrophy. Last evaluated: 2024-03-22. Review status: criteria provided, single submitter. Criteria: ACMG Guidelines, 2015. Collection method: clinical testing. Allele origin: unknown.

Revvity Omics, Revvity
Classification: Pathogenic. Last evaluated: 2023-08-31. Review status: criteria provided, single submitter. Criteria: ACMG Guidelines, 2015. Collection method: clinical testing. Allele origin: germline.

Mayo Clinic Laboratories, Mayo Clinic
Classification: Pathogenic. Last evaluated: 2023-07-07. Review status: criteria provided, single submitter. Criteria: ACMG Guidelines, 2015. Collection method: clinical testing. Allele origin: germline.
Comment: PM2_moderate, PS4_moderate, PVS1

Women's Health and Genetics/Laboratory Corporation of America, LabCorp
Classification: Pathogenic for LAMA2-related muscular dystrophy. Last evaluated: 2021-11-08. Review status: criteria provided, single submitter. Criteria: LabCorp Variant Classification Summary - May 2015. Collection method: clinical testing. Allele origin: germline.
Comment: Variant summary: LAMA2 c.4048C>T (p.Arg1350X) results in a premature termination codon, predicted to cause a truncation of the encoded protein or absence of the protein due to nonsense mediated decay, which are commonly known mechanisms for disease. Truncations downstream of this position have been classified as pathogenic by our laboratory. The variant allele was found at a frequency of 8e-06 in 250494 control chromosomes. c.4048C>T has been reported in the literature in multiple individuals affected with Laminin Alpha 2-Related Dystrophy (example, Kitamura_2016, Xiong_2015, Geranmayeh_2010). These data indicate that the variant is very likely to be associated with disease. To our knowledge, no experimental evidence demonstrating an impact on protein function has been reported. Four clinical diagnostic laboratories have submitted clinical-significance assessments for this variant to ClinVar after 2014 without evidence for independent evaluation. All laboratories classified the variant as pathogenic. Based on the evidence outlined above, the variant was classified as pathogenic.

Kariminejad - Najmabadi Pathology & Genetics Center
Classification: Pathogenic for Merosin deficient congenital muscular dystrophy; Muscular dystrophy, limb-girdle, autosomal recessive 23. Last evaluated: 2020-11-24. Review status: criteria provided, single submitter. Criteria: ACMG Guidelines, 2015. Collection method: clinical testing. Allele origin: germline. Inheritance: Autosomal recessive inheritance. Affected: yes.
Comment: [PVS1,PM2,PP3,PP5]

CeGaT Center for Human Genetics Tuebingen
Classification: Pathogenic. Last evaluated: 2016-09-01. Review status: criteria provided, single submitter. Criteria: CeGaT Center For Human Genetics Tuebingen Variant Classification Criteria Version 2. Collection method: clinical testing. Allele origin: germline. Affected: yes. Observed: 1 variant allele.

Eurofins Ntd Llc (ga)
Classification: Pathogenic. Last evaluated: 2015-11-20. Review status: criteria provided, single submitter. Criteria: EGL Classification Definitions 2015. Collection method: clinical testing. Allele origin: germline. Observed: 1 variant allele, 1 homozygote.

Juno Genomics, Hangzhou Juno Genomics, Inc
Classification: Pathogenic for Merosin deficient congenital muscular dystrophy; Muscular dystrophy, limb-girdle, autosomal recessive 23. Review status: criteria provided, single submitter. Criteria: ACMG Guidelines, 2015. Collection method: clinical testing. Allele origin: germline.
Comment: Absent from controls (or at extremely low frequency if recessive) in Genome Aggregation Database.;Null variant in a gene where loss of function (LOF) is a known mechanism of disease.;For recessive disorders, detected in trans with a pathogenic variant.;Patient's phenotype or family history is highly specific for a disease with a single genetic etiology.

Counsyl
Classification: Pathogenic for Merosin deficient congenital muscular dystrophy. Last evaluated: 2017-03-13. Review status: no assertion criteria provided. Collection method: clinical testing. Allele origin: unknown. Not counted in ClinVar's aggregate classification.

Literature cited by the submitters: PMC 3543442 (cited by Institute of Medical Genetics and Genomics, Sir Ganga Ram Hospital); PubMed 18700894 (cited by Labcorp Genetics (formerly Invitae), Labcorp); PubMed 32904964 (cited by Labcorp Genetics (formerly Invitae), Labcorp); PubMed 20207543 (cited by 6 submitters); PubMed 24611677 (cited by 3 submitters); PubMed 30301903 (cited by Labcorp Genetics (formerly Invitae), Labcorp); PubMed 25525159 (cited by Mayo Clinic Laboratories, Mayo Clinic and Counsyl); PubMed 31069529 (cited by Mayo Clinic Laboratories, Mayo Clinic); PubMed 27357428 (cited by Women's Health and Genetics/Laboratory Corporation of America, LabCorp).